The following is an entry in ClinVar:

NM_007194.4(CHEK2):c.1576G>T (p.Glu526Ter)

Gene: CHEK2 (checkpoint kinase 2; minus strand). Cytogenetic location: 22q12.1.
Variant type: single nucleotide variant.
Coding change: c.1576G>T on transcript NM_007194.4 (MANE Select); coding-DNA position 1576, G replaced by T.
Protein change: p.Glu526Ter; replaces glutamic acid 526 with a stop codon.
Molecular consequence: nonsense.
Genome position (GRCh38, 1-based): chr22:28,687,953, C>A on the plus strand (G>T on the coding strand, the complement: CHEK2 is on the minus strand). VCF-style: chr22-28687953-C-A. GRCh37 (hg19) VCF-style: chr22-29083941-C-A.
Other names: c.1705G>T, p.Glu569Ter (NM_001005735.3); c.913G>T, p.Glu305Ter (NM_001257387.3); c.1375G>T, p.Glu459Ter (NM_001349956.3); c.1489G>T, p.Glu497Ter (NM_145862.3); short protein forms E497*, E305*, E526*, E459*, E569*.
Identifiers: ClinVar variation 1413952 (VCV001413952.7), dbSNP rs1555911587, ClinGen allele CA411091272.
Genomic context (GRCh38, chr22:28,687,953, plus strand): 5'-GAGTTCACAACACAGCAGCACACACAGCTGGGCGCTTTGTGGTCTCGGCACCCTCGGCTT[C>A]CCCTTCACGGGGCCGCTTTCGACTAGTAGAAGGCTGAAAATAAAGGAAAATGGAGAAATG-3'

ClinVar aggregate classification (germline): Uncertain significance (1 of 4 stars; one submission).

Conditions:
Familial cancer of breast. Also called: BREAST CANCER, FAMILIAL; Hereditary breast cancer; hereditary breast carcinoma. Identifiers: Orphanet 227535, MedGen C0346153, MONDO:0016419, OMIM 114480. Disease mechanism: loss of function.

Allele frequency attached by ClinVar (database versions not stated): gnomAD exomes below 0.00001.
gnomAD v4.1: 1 of 1,596,396 alleles (0.000063%); highest among the groups gnomAD compares: Non-Finnish European, 0.000085%; no homozygotes.

Submission:

Labcorp Genetics (formerly Invitae), Labcorp
Classification: Uncertain significance for Familial cancer of breast. Last evaluated: 2024-05-19. Review status: criteria provided, single submitter. Criteria: Invitae Variant Classification Sherloc (09022015). Collection method: clinical testing. Allele origin: germline.
Comment: This sequence change creates a premature translational stop signal (p.Glu526*) in the CHEK2 gene. While this is not anticipated to result in nonsense mediated decay, it is expected to disrupt the last 18 amino acid(s) of the CHEK2 protein. This variant is not present in population databases (gnomAD no frequency). This variant has not been reported in the literature in individuals affected with CHEK2-related conditions. ClinVar contains an entry for this variant (Variation ID: 1413952). Algorithms developed to predict the effect of sequence changes on RNA splicing suggest that this variant may create or strengthen a splice site. In summary, the available evidence is currently insufficient to determine the role of this variant in disease. Therefore, it has been classified as a Variant of Uncertain Significance.